The following is an entry in ClinVar:

ClinVar aggregate classification (germline): Likely pathogenic (1 of 4 stars; one submission).

Conditions:
PDX1-related disorder. Also called: PDX1-related condition; PDX1-related disorders.

Submission:

PreventionGenetics, part of Exact Sciences
Classification: Likely pathogenic for PDX1-related condition. Last evaluated: 2026-08-03. Review status: criteria provided, single submitter. Criteria: ACMG Guidelines, 2015. Collection method: clinical testing. Allele origin: germline.
Comment: The PDX1 c.280delC variant is predicted to result in a frameshift and premature protein termination (p.His94Thrfs*29). To our knowledge, this variant has not been reported in the literature or in a large population database (gnomAD), indicating this variant is rare. Frameshift variants in PDX1 are expected to be pathogenic. This variant is interpreted as likely pathogenic.

NM_000209.4(PDX1):c.280del (p.His94fs)

Gene: PDX1 (pancreatic and duodenal homeobox 1; plus strand). Cytogenetic location: 13q12.2.
Variant type: Deletion.
Coding change: c.280del on transcript NM_000209.4 (MANE Select); coding-DNA position 280, one base deleted (C; older notation c.280delC).
Protein change: p.His94fs; shifts the reading frame from histidine 94.
Molecular consequence: frameshift variant.
Genome position (GRCh38, 1-based): chr13:27,920,418, C deleted; the last of 5 consecutive C bases (chr13:27,920,414-27,920,418); deleting any one gives the same sequence. VCF-style (leftmost placement, unchanged base first): chr13-27920413-TC-T. GRCh37 (hg19) VCF-style: chr13-28494550-TC-T.
Other names: short protein forms H94fs.
Identifiers: ClinVar variation 4993313 (VCV004993313.1).